The following is an entry in ClinVar:

ClinVar aggregate classification (germline): Uncertain significance (1 of 4 stars; one submission).

gnomAD v4.1: 3 of 1,614,138 alleles (0.00019%); highest among the groups gnomAD compares: Non-Finnish European, 0.00025%; no homozygotes.

Submission:

Labcorp Genetics (formerly Invitae), Labcorp
Classification: Uncertain significance. Last evaluated: 2026-01-25. Review status: criteria provided, single submitter. Criteria: Invitae Variant Classification Sherloc (09022015). Collection method: clinical testing. Allele origin: germline.
Comment: This sequence change replaces glutamic acid, which is acidic and polar, with lysine, which is basic and polar, at codon 126 of the NEK2 protein (p.Glu126Lys). This variant is not present in population databases (gnomAD no frequency). This variant has not been reported in the literature in individuals affected with NEK2-related conditions. An algorithm developed to predict the effect of missense changes on protein structure and function (PolyPhen-2) suggests that this variant is likely to be tolerated. In summary, the available evidence is currently insufficient to determine the role of this variant in disease. Therefore, it has been classified as a Variant of Uncertain Significance.

NM_002497.4(NEK2):c.376G>A (p.Glu126Lys)

Gene: NEK2 (NIMA related kinase 2; minus strand). Cytogenetic location: 1q32.3.
Variant type: single nucleotide variant.
Coding change: c.376G>A on transcript NM_002497.4 (MANE Select); coding-DNA position 376, G replaced by A.
Protein change: p.Glu126Lys; replaces glutamic acid 126 with lysine.
Molecular consequence: missense variant.
Genome position (GRCh38, 1-based): chr1:211,673,662, C>T on the plus strand (G>A on the coding strand, the complement: NEK2 is on the minus strand). VCF-style: chr1-211673662-C-T. GRCh37 (hg19) VCF-style: chr1-211847004-C-T.
Other names: c.376G>A, p.Glu126Lys (NM_001204182.2, NM_001204183.2); short protein forms E126K.
Identifiers: ClinVar variation 4702954 (VCV004702954.1).